The following is an entry in ClinVar:

ClinVar aggregate classification (germline): Uncertain significance (1 of 4 stars; one submission).

Conditions:
Developmental and epileptic encephalopathy, 46 (DEE46). Also called: Epileptic encephalopathy, early infantile, 46; GRIN2D-Related Developmental and Epileptic Encephalopathy. Identifiers: MedGen C4310687, MONDO:0014947, OMIM 617162.

gnomAD v4.1: 7 of 1,383,376 alleles (0.00051%); highest among the groups gnomAD compares: South Asian, 0.011%; 2 homozygotes.

Submission:

3billion
Classification: Uncertain significance for Developmental and epileptic encephalopathy, 46. Last evaluated: 2022-03-22. Review status: criteria provided, single submitter. Criteria: ACMG Guidelines, 2015. Collection method: clinical testing. Allele origin: germline. Affected: yes. Observed: 1 heterozygote.
Comment: The variant is not observed in the gnomAD v2.1.1 dataset. A missense variant is a common mechanism. Therefore, this variant is classified as uncertain significance according to the recommendation of ACMG/AMP guideline.

NM_000836.4(GRIN2D):c.3524C>T (p.Pro1175Leu)

Gene: GRIN2D (glutamate ionotropic receptor NMDA type subunit 2D; plus strand). Cytogenetic location: 19q13.33.
Variant type: single nucleotide variant.
Coding change: c.3524C>T on transcript NM_000836.4 (MANE Select); coding-DNA position 3524, C replaced by T.
Protein change: p.Pro1175Leu; replaces proline 1175 with leucine.
Molecular consequence: missense variant.
Genome position (GRCh38, 1-based): chr19:48,443,450, C>T. VCF-style: chr19-48443450-C-T. GRCh37 (hg19) VCF-style: chr19-48946707-C-T.
Other names: short protein forms P1175L.
Identifiers: ClinVar variation 1526130 (VCV001526130.1), dbSNP rs2147477588, ClinGen allele CA406676667.
Genomic context (GRCh38, chr19:48,443,450, plus strand): 5'-TCGACAAGCTCGGGGGCTGGCGCGCCGGGAGCTGGGACTACCTGCCCCCGCGCAGCGGTC[C>T]GGCCGCCTGGCACTGTCGGCACTGCGCCAGCCTGGAGCTGCTGCCGCCGCCGCGCCATCT-3'
Protein context (NP_000827.2, residues 1165-1185): SWDYLPPRSG[Pro1175Leu]AAWHCRHCAS